The following is an entry in ClinVar:

NM_006118.4(HAX1):c.476A>T (p.Asp159Val)

Gene: HAX1 (HCLS1 associated protein X-1; plus strand). Cytogenetic location: 1q21.3.
Variant type: single nucleotide variant.
Coding change: c.476A>T on transcript NM_006118.4 (MANE Select); coding-DNA position 476, A replaced by T.
Protein change: p.Asp159Val; replaces aspartic acid 159 with valine.
Molecular consequence: missense variant.
Genome position (GRCh38, 1-based): chr1:154,273,933, A>T. VCF-style: chr1-154273933-A-T. GRCh37 (hg19) VCF-style: chr1-154246409-A-T.
Other names: c.332A>T, p.Asp111Val (NM_001018837.2); short protein forms D111V, D159V.
Identifiers: ClinVar variation 4858270 (VCV004858270.1).

ClinVar aggregate classification (germline): Uncertain significance (1 of 4 stars; one submission).

Conditions:
Inborn genetic diseases. Identifiers: MedGen C0950123, MeSH D030342.

Submission:

Ambry Genetics
Classification: Uncertain significance for Inborn genetic diseases. Last evaluated: 2026-04-18. Review status: criteria provided, single submitter. Criteria: Ambry Variant Classification Scheme 2023. Collection method: clinical testing. Allele origin: germline.
Comment: The p.D159V variant (also known as c.476A>T), located in coding exon 3 of the HAX1 gene, results from an A to T substitution at nucleotide position 476. The aspartic acid at codon 159 is replaced by valine, an amino acid with highly dissimilar properties. This amino acid position is conserved. In addition, this alteration is predicted to be tolerated by in silico analysis. Based on the available evidence, the clinical significance of this variant remains unclear.